The following is an entry in ClinVar:

NM_001291415.2(KDM6A):c.40_51del (p.Ala14_Ala17del)

Gene: KDM6A (lysine demethylase 6A; plus strand). Cytogenetic location: Xp11.3.
Variant type: Deletion.
Coding change: c.40_51del on transcript NM_001291415.2 (MANE Select); coding-DNA positions 40 to 51, 12 bases deleted (GCCGCCGCCGCT).
Protein change: p.Ala14_Ala17del.
Molecular consequence: inframe deletion. On other transcripts: 5 prime UTR variant (1), non-coding transcript variant (1).
Genome position (GRCh38, 1-based): chrX:44,873,591-44,873,602, GCCGCCGCCGCT deleted; deleting any 12 consecutive bases within chrX:44,873,580-44,873,602 gives the same sequence; the c. name uses the placement nearest the transcript's 3' end. VCF-style (leftmost placement, unchanged base first): chrX-44873579-ACCGCCGCCGCTG-A. GRCh37 (hg19) VCF-style: chrX-44732825-ACCGCCGCCGCTG-A.
Other names: c.40_51del, p.Ala14_Ala17del (NM_001291416.2, NM_001291417.2, NM_001291418.2 and 1 more transcripts); c.-593_-582del (NM_001291421.2).
Identifiers: ClinVar variation 1601404 (VCV001601404.11), dbSNP rs749062014, ClinGen allele CA10392094.

ClinVar aggregate classification (germline): Benign/Likely benign. Review status: criteria provided, multiple submitters, no conflicts (2 of 4 stars). 3 submissions from 3 submitters: Benign (1); Likely benign (2). Last evaluated 2026-06-01.

Conditions:
Kabuki syndrome 2 (KABUK2). Also called: KDM6A-Related Kabuki Syndrome. Identifiers: Orphanet 2322, MedGen C3275495, MONDO:0010465, OMIM 300867.

Submissions (3):

CeGaT Center for Human Genetics Tuebingen
Classification: Likely benign. Last evaluated: 2026-06-01. Review status: criteria provided, single submitter. Criteria: CeGaT Center For Human Genetics Tuebingen Variant Classification Criteria Version 2. Collection method: clinical testing. Allele origin: germline. Affected: yes. Observed: 1 variant allele.
Comment: KDM6A: BS2

Labcorp Genetics (formerly Invitae), Labcorp
Classification: Benign for Kabuki syndrome 2. Last evaluated: 2025-02-27. Review status: criteria provided, single submitter. Criteria: Invitae Variant Classification Sherloc (09022015). Collection method: clinical testing. Allele origin: germline.

Blueprint Genetics
Classification: Likely benign. Last evaluated: 2024-09-24. Review status: criteria provided, single submitter. Criteria: ACMG Guidelines, 2015. Collection method: clinical testing. Allele origin: germline.